The following is an entry in ClinVar:

ClinVar aggregate classification (germline): Uncertain significance (1 of 4 stars; one submission).

gnomAD v4.1: 2 of 1,614,098 alleles (0.00012%); highest among the groups gnomAD compares: African/African-American, 0.0013%; no homozygotes.

Submission:

Labcorp Genetics (formerly Invitae), Labcorp
Classification: Uncertain significance. Last evaluated: 2024-05-10. Review status: criteria provided, single submitter. Criteria: Invitae Variant Classification Sherloc (09022015). Collection method: clinical testing. Allele origin: germline.
Comment: This sequence change replaces lysine, which is basic and polar, with glutamic acid, which is acidic and polar, at codon 436 of the CARD8 protein (p.Lys436Glu). This variant is not present in population databases (gnomAD no frequency). This variant has not been reported in the literature in individuals affected with CARD8-related conditions. An algorithm developed to predict the effect of missense changes on protein structure and function (PolyPhen-2) suggests that this variant is likely to be disruptive. In summary, the available evidence is currently insufficient to determine the role of this variant in disease. Therefore, it has been classified as a Variant of Uncertain Significance.

NM_001184900.3(CARD8):c.1456A>G (p.Lys486Glu)

Gene: CARD8 (caspase recruitment domain family member 8; minus strand). Cytogenetic location: 19q13.33.
Variant type: single nucleotide variant.
Coding change: c.1456A>G on transcript NM_001184900.3 (MANE Select); coding-DNA position 1456, A replaced by G.
Protein change: p.Lys486Glu; replaces lysine 486 with glutamic acid.
Molecular consequence: missense variant. On other transcripts: 3 prime UTR variant (7), non-coding transcript variant (3), intron variant (1).
Genome position (GRCh38, 1-based): chr19:48,211,868, T>C on the plus strand (A>G on the coding strand, the complement: CARD8 is on the minus strand). VCF-style: chr19-48211868-T-C. GRCh37 (hg19) VCF-style: chr19-48715125-T-C.
Other names: c.1306A>G, p.Lys436Glu (NM_001184901.1, NM_001351783.2, NM_014959.5); c.*135A>G (NM_001184902.2, NM_001184903.1, NM_001351788.2 and 4 more transcripts); c.1456A>G, p.Lys486Glu (NM_001351782.2); c.1141A>G, p.Lys381Glu (NM_001351784.2); c.1120A>G, p.Lys374Glu (NM_001351786.2); c.1138A>G, p.Lys380Glu (NM_001365950.1); c.1033+3472A>G (NM_001351787.2); short protein forms K374E, K380E, K381E, K436E, K486E.
Identifiers: ClinVar variation 3620838 (VCV003620838.2).
Genomic context (GRCh38, chr19:48,211,868, plus strand): 5'-CCATGCTCAGCAAGGCCTCATTCTTGCTCTGCCGTGTCTTTTCCTGCTCCACCAGCTCCT[T>C]CTCATTCTCAGTAAGAACCTCATTGTCTTGGAGATCATCGAGCACCCCTTTCAGGTCCCC-3'
Protein context (NP_001171829.1, residues 476-496): QDNEVLTENE[Lys486Glu]ELVEQEKTRQ